The following is an entry in ClinVar:

NM_005720.4(ARPC1B):c.834G>A (p.Met278Ile)

Gene: ARPC1B (actin related protein 2/3 complex subunit 1B; plus strand). Cytogenetic location: 7q22.1.
Variant type: single nucleotide variant.
Coding change: c.834G>A on transcript NM_005720.4 (MANE Select); coding-DNA position 834, G replaced by A.
Protein change: p.Met278Ile; replaces methionine 278 with isoleucine.
Molecular consequence: missense variant.
Genome position (GRCh38, 1-based): chr7:99,392,721, G>A. VCF-style: chr7-99392721-G-A. GRCh37 (hg19) VCF-style: chr7-98990344-G-A.
Other names: c.834G>A (NM_005720.3); short protein forms M278I.
Identifiers: ClinVar variation 1134311 (VCV001134311.12), dbSNP rs200163199, ClinGen allele CA4364151.

ClinVar aggregate classification (germline): Likely benign. Review status: criteria provided, multiple submitters, no conflicts (2 of 4 stars). 3 submissions from 3 submitters: Likely benign (2). 1 of the submissions does not count toward it. Last evaluated 2025-10-09.

Conditions:
ARPC1B-related disorder. Also called: ARPC1B-related condition.

Allele frequency attached by ClinVar (database versions not stated): gnomAD exomes 0.00010 and 0.00030; 1000 Genomes Project 0.00020; 1000 Genomes Project 30x 0.00031; ExAC 0.00047; gnomAD 0.00116 and 0.00128; TOPMed 0.00146.
gnomAD v4.1: 316 of 1,548,042 alleles (0.02%); highest among the groups gnomAD compares: African/African-American, 0.4%; no homozygotes.

Submissions (3):

Labcorp Genetics (formerly Invitae), Labcorp
Classification: Likely benign. Last evaluated: 2025-10-09. Review status: criteria provided, single submitter. Criteria: Invitae Variant Classification Sherloc (09022015). Collection method: clinical testing. Allele origin: germline.

Blueprint Genetics
Classification: Likely benign. Last evaluated: 2022-08-08. Review status: criteria provided, single submitter. Criteria: ACMG Guidelines, 2015. Collection method: clinical testing. Allele origin: germline.

PreventionGenetics, part of Exact Sciences
Classification: Likely benign for ARPC1B-related condition. Last evaluated: 2023-09-08. Review status: no assertion criteria provided. Collection method: clinical testing. Allele origin: germline. Not counted in ClinVar's aggregate classification.
Comment: This variant is classified as likely benign based on ACMG/AMP sequence variant interpretation guidelines (Richards et al. 2015 PMID: 25741868, with internal and published modifications).